The following is an entry in ClinVar:

NM_201550.4(LRRC10):c.490C>T (p.Arg164Trp)

Gene: LRRC10 (leucine rich repeat containing 10; minus strand). Cytogenetic location: 12q15.
Variant type: single nucleotide variant.
Coding change: c.490C>T on transcript NM_201550.4 (MANE Select); coding-DNA position 490, C replaced by T.
Protein change: p.Arg164Trp; replaces arginine 164 with tryptophan.
Molecular consequence: missense variant.
Genome position (GRCh38, 1-based): chr12:69,610,349, G>A on the plus strand (C>T on the coding strand, the complement: LRRC10 is on the minus strand). VCF-style: chr12-69610349-G-A. GRCh37 (hg19) VCF-style: chr12-70004129-G-A.
Other names: c.490C>T (NM_201550.2); short protein forms R164W.
Identifiers: ClinVar variation 2766181 (VCV002766181.4), dbSNP rs769640717, ClinGen allele CA6681057.

ClinVar aggregate classification (germline): Uncertain significance. Review status: criteria provided, multiple submitters, no conflicts (2 of 4 stars). 2 submissions from 2 submitters: Uncertain significance (2). Last evaluated 2025-02-20.

Allele frequency attached by ClinVar (database versions not stated): ExAC 0.00002; gnomAD 0.00002; TOPMed 0.00003; gnomAD exomes 0.00002.

Submissions (2):

Ambry Genetics
Classification: Uncertain significance. Last evaluated: 2025-02-20. Review status: criteria provided, single submitter. Criteria: Ambry Variant Classification Scheme 2023. Collection method: clinical testing. Allele origin: germline.

Labcorp Genetics (formerly Invitae), Labcorp
Classification: Uncertain significance. Last evaluated: 2022-12-29. Review status: criteria provided, single submitter. Criteria: Invitae Variant Classification Sherloc (09022015). Collection method: clinical testing. Allele origin: germline.
Comment: In summary, the available evidence is currently insufficient to determine the role of this variant in disease. Therefore, it has been classified as a Variant of Uncertain Significance. Algorithms developed to predict the effect of missense changes on protein structure and function output the following: SIFT: "Tolerated"; PolyPhen-2: "Benign"; Align-GVGD: "Class C0". The tryptophan amino acid residue is found in multiple mammalian species, which suggests that this missense change does not adversely affect protein function. This variant has not been reported in the literature in individuals affected with LRRC10-related conditions. This variant is present in population databases (rs769640717, gnomAD 0.04%), and has an allele count higher than expected for a pathogenic variant. This sequence change replaces arginine, which is basic and polar, with tryptophan, which is neutral and slightly polar, at codon 164 of the LRRC10 protein (p.Arg164Trp).